The following is an entry in ClinVar:

NM_005477.3(HCN4):c.3349C>G (p.Pro1117Ala)

Gene: HCN4 (hyperpolarization activated cyclic nucleotide gated potassium channel 4; minus strand). Cytogenetic location: 15q24.1.
Variant type: single nucleotide variant.
Coding change: c.3349C>G on transcript NM_005477.3 (MANE Select); coding-DNA position 3349, C replaced by G.
Protein change: p.Pro1117Ala; replaces proline 1117 with alanine.
Molecular consequence: missense variant.
Genome position (GRCh38, 1-based): chr15:73,322,744, G>C on the plus strand (C>G on the coding strand, the complement: HCN4 is on the minus strand). VCF-style: chr15-73322744-G-C. GRCh37 (hg19) VCF-style: chr15-73615085-G-C.
Other names: short protein forms P1117A.
Identifiers: ClinVar variation 2133441 (VCV002133441.4), dbSNP rs2549067956, ClinGen allele CA393085504.

ClinVar aggregate classification (germline): Uncertain significance (1 of 4 stars; one submission).

Conditions:
Brugada syndrome 8 (BRGDA8). Identifiers: Orphanet 130, MedGen C2751083, MONDO:0013148, OMIM 613123.

Submission:

Labcorp Genetics (formerly Invitae), Labcorp
Classification: Uncertain significance for Brugada syndrome 8. Last evaluated: 2022-05-04. Review status: criteria provided, single submitter. Criteria: Invitae Variant Classification Sherloc (09022015). Collection method: clinical testing. Allele origin: germline.
Comment: In summary, the available evidence is currently insufficient to determine the role of this variant in disease. Therefore, it has been classified as a Variant of Uncertain Significance. Advanced modeling of protein sequence and biophysical properties (such as structural, functional, and spatial information, amino acid conservation, physicochemical variation, residue mobility, and thermodynamic stability) performed at Invitae indicates that this missense variant is not expected to disrupt HCN4 protein function. This variant has not been reported in the literature in individuals affected with HCN4-related conditions. This variant is not present in population databases (gnomAD no frequency). This sequence change replaces proline, which is neutral and non-polar, with alanine, which is neutral and non-polar, at codon 1117 of the HCN4 protein (p.Pro1117Ala).